The following is an entry in ClinVar:

ClinVar aggregate classification (germline): Likely benign (1 of 4 stars; one submission).

Allele frequency attached by ClinVar (database versions not stated): gnomAD 0.00001; gnomAD exomes 0.00001 and 0.00003; ExAC 0.00004; 1000 Genomes Project 30x 0.00016; 1000 Genomes Project 0.00120.
gnomAD v4.1: 29 of 1,613,326 alleles (0.0018%); highest among the groups gnomAD compares: Non-Finnish European, 0.00085%; no homozygotes.

Submission:

GeneDx
Classification: Likely benign. Last evaluated: 2017-07-06. Review status: criteria provided, single submitter. Criteria: GeneDx Variant Classification (06012015). Collection method: clinical testing. Allele origin: germline. Affected: yes.
Comment: This variant is considered likely benign or benign based on one or more of the following criteria: it is a conservative change, it occurs at a poorly conserved position in the protein, it is predicted to be benign by multiple in silico algorithms, and/or has population frequency not consistent with disease.

NM_153704.6(TMEM67):c.-4T>G

Gene: TMEM67 (transmembrane protein 67; plus strand). Cytogenetic location: 8q22.1.
Variant type: single nucleotide variant.
Coding change: c.-4T>G on transcript NM_153704.6 (MANE Select); 4 bases upstream of the start codon, T replaced by G.
Molecular consequence: 5 prime UTR variant. On other transcripts: non-coding transcript variant (1), splice donor variant (1).
Genome position (GRCh38, 1-based): chr8:93,754,911, T>G. VCF-style: chr8-93754911-T-G. GRCh37 (hg19) VCF-style: chr8-94767139-T-G.
Other names: c.-180+2T>G (NM_001142301.1).
Identifiers: ClinVar variation 510630 (VCV000510630.1), dbSNP rs80108685, ClinGen allele CA4807487.